The following is an entry in ClinVar:

ClinVar aggregate classification (germline): Uncertain significance. Review status: criteria provided, multiple submitters, no conflicts (2 of 4 stars). 2 submissions from 2 submitters: Uncertain significance (2). Last evaluated 2023-12-29.

Conditions:
Short stature, microcephaly, and endocrine dysfunction (SSMED). Identifiers: Orphanet 436182, MedGen C4225288, MONDO:0014686, OMIM 616541.

Allele frequency attached by ClinVar (database versions not stated): gnomAD exomes below 0.00001; gnomAD 0.00001.
gnomAD v4.1: 5 of 1,612,382 alleles (0.00031%); highest among the groups gnomAD compares: African/African-American, 0.004%; no homozygotes.

Submissions (2):

Fulgent Genetics
Classification: Uncertain significance for Short stature, microcephaly, and endocrine dysfunction. Last evaluated: 2023-12-29. Review status: criteria provided, single submitter. Criteria: ACMG Guidelines, 2015. Collection method: clinical testing. Allele origin: germline.

Labcorp Genetics (formerly Invitae), Labcorp
Classification: Uncertain significance. Last evaluated: 2023-08-14. Review status: criteria provided, single submitter. Criteria: Invitae Variant Classification Sherloc (09022015). Collection method: clinical testing. Allele origin: germline.
Comment: This sequence change replaces leucine, which is neutral and non-polar, with serine, which is neutral and polar, at codon 321 of the XRCC4 protein (p.Leu321Ser). The frequency data for this variant in the population databases is considered unreliable, as metrics indicate poor data quality at this position in the gnomAD database. This variant has not been reported in the literature in individuals affected with XRCC4-related conditions. ClinVar contains an entry for this variant (Variation ID: 1903213). An algorithm developed to predict the effect of missense changes on protein structure and function (PolyPhen-2) suggests that this variant is likely to be disruptive. In summary, the available evidence is currently insufficient to determine the role of this variant in disease. Therefore, it has been classified as a Variant of Uncertain Significance.

NM_003401.5(XRCC4):c.956T>C (p.Leu319Ser)

Gene: XRCC4 (X-ray repair cross complementing 4; plus strand). Cytogenetic location: 5q14.2.
Variant type: single nucleotide variant.
Coding change: c.956T>C on transcript NM_003401.5 (MANE Select); coding-DNA position 956, T replaced by C.
Protein change: p.Leu319Ser; replaces leucine 319 with serine.
Molecular consequence: missense variant.
Genome position (GRCh38, 1-based): chr5:83,353,193, T>C. VCF-style: chr5-83353193-T-C. GRCh37 (hg19) VCF-style: chr5-82649012-T-C.
Other names: c.962T>C, p.Leu321Ser (NM_001318012.3, NM_022406.5); c.956T>C, p.Leu319Ser (NM_022550.4); c.962T>C (NM_022406.4); short protein forms L319S, L321S.
Identifiers: ClinVar variation 1903213 (VCV001903213.6), dbSNP rs1248685967, ClinGen allele CA360357726.